The following is an entry in ClinVar:

ClinVar aggregate classification (germline): Conflicting classifications of pathogenicity. Review status: criteria provided, conflicting classifications (1 of 4 stars). 3 submissions from 3 submitters: Uncertain significance (1); Likely benign (2). Last evaluated 2025-06-10.

Conditions:
Collagen 6-related myopathy. Identifiers: MedGen CN117976, MONDO:0100225.
Bethlem myopathy 1A. Also called: MYOPATHY, BENIGN CONGENITAL, WITH CONTRACTURES; Bethlem myopathy 1; Bethlem Muscular Dystrophy. Identifiers: Orphanet 610, MedGen CN029274, MONDO:0024530, OMIM 158810.

Allele frequency attached by ClinVar (database versions not stated): TOPMed 0.00001; ExAC 0.00002; gnomAD 0.00002 and 0.00003; gnomAD exomes 0.00002 and 0.00003; 1000 Genomes Project 30x 0.00016; 1000 Genomes Project 0.00020.

Submissions (3):

Labcorp Genetics (formerly Invitae), Labcorp
Classification: Likely benign for Bethlem myopathy 1A. Last evaluated: 2025-06-10. Review status: criteria provided, single submitter. Criteria: Invitae Variant Classification Sherloc (09022015). Collection method: clinical testing. Allele origin: germline.

Eurofins Ntd Llc (ga)
Classification: Uncertain significance. Last evaluated: 2018-03-23. Review status: criteria provided, single submitter. Criteria: EGL ClinVar v180209 classification definitions. Collection method: clinical testing. Allele origin: germline. Observed: 1 variant allele, 1 heterozygote.

Illumina Laboratory Services, Illumina
Classification: Likely benign for Collagen VI-related myopathy. Last evaluated: 2018-01-12. Review status: criteria provided, single submitter. Criteria: ICSL Variant Classification Criteria 13 December 2019. Collection method: clinical testing. Allele origin: germline.
Comment: This variant was observed in the ICSL laboratory as part of a predisposition screen in an ostensibly healthy population. It had not been previously curated by ICSL or reported in the Human Gene Mutation Database (HGMD: prior to June 1st, 2018), and was therefore a candidate for classification through an automated scoring system. Utilizing variant allele frequency, disease prevalence and penetrance estimates, and inheritance mode, an automated score was calculated to assess if this variant is too frequent to cause the disease. Based on the score and internal cut-off values, a variant classified as likely benign is not then subjected to further curation. The score for this variant resulted in a classification of likely benign for this disease.

NM_001849.4(COL6A2):c.2250C>T (p.Arg750=)

Gene: COL6A2 (collagen type VI alpha 2 chain; plus strand). Cytogenetic location: 21q22.3.
Variant type: single nucleotide variant.
Coding change: c.2250C>T on transcript NM_001849.4 (MANE Select); coding-DNA position 2250, C replaced by T.
Protein change: p.Arg750=; no amino-acid change (arginine 750 retained).
Molecular consequence: synonymous variant.
Genome position (GRCh38, 1-based): chr21:46,126,065, C>T. VCF-style: chr21-46126065-C-T. GRCh37 (hg19) VCF-style: chr21-47545979-C-T.
Other names: c.2250C>T, p.Arg750= (NM_058174.3, NM_058175.3).
Identifiers: ClinVar variation 340373 (VCV000340373.14), dbSNP rs200096552, ClinGen allele CA10072485.
Genomic context (GRCh38, chr21:46,126,065, plus strand): 5'-CACGGACGGGCGCCACGACCCTCGGGACGATGACCTCAACTTGCGGGCGCTGTGCGACCG[C>T]GACGTCACAGTGACGGCCATCGGCATCGGGGACATGTTCCACGAGAAGCACGAGAGTGAA-3'
Protein context (NP_001840.3, residues 740-760): DDLNLRALCD[Arg750=]DVTVTAIGIG